The following is an entry in ClinVar:

ClinVar aggregate classification (germline): Conflicting classifications of pathogenicity. Review status: criteria provided, conflicting classifications (1 of 4 stars). 4 submissions from 4 submitters: Uncertain significance (3); Likely benign (1). Last evaluated 2026-05-12.

Conditions:
PCDH15-related disorder. Also called: PCDH15-related condition; PCDH15-related disorders.
Inborn genetic diseases. Identifiers: MedGen C0950123, MeSH D030342.

gnomAD v4.1: 76 of 1,611,788 alleles (0.0047%); highest among the groups gnomAD compares: Middle Eastern, 0.016%; no homozygotes.

Submissions (4):

PreventionGenetics, part of Exact Sciences
Classification: Uncertain significance for PCDH15-related condition. Last evaluated: 2026-05-12. Review status: criteria provided, single submitter. Criteria: ACMG Guidelines, 2015. Collection method: clinical testing. Allele origin: germline.
Comment: The PCDH15 c.5259A>C variant is predicted to result in the amino acid substitution p.Glu1753Asp. To our knowledge, this variant has not been reported in the literature. This variant is reported in 0.069% of alleles in individuals of Ashkenazi Jewish descent in gnomAD, which may be too frequent to be a primary cause of disease. Although we suspect that this variant may be benign, at this time, the clinical significance of this variant is uncertain due to the absence of conclusive functional and genetic evidence.

GeneDx
Classification: Uncertain significance. Last evaluated: 2025-08-21. Review status: criteria provided, single submitter. Criteria: GeneDx Variant Classification Process June 2021. Collection method: clinical testing. Allele origin: germline. Affected: yes.
Comment: In silico analysis suggests that this missense variant does not alter protein structure/function; Has not been previously published as pathogenic or benign to our knowledge; Reported using an alternate transcript of the gene

CeGaT Center for Human Genetics Tuebingen
Classification: Likely benign. Last evaluated: 2025-08-01. Review status: criteria provided, single submitter. Criteria: CeGaT Center For Human Genetics Tuebingen Variant Classification Criteria Version 2. Collection method: clinical testing. Allele origin: germline. Affected: yes. Observed: 1 variant allele.
Comment: PCDH15: BP4

Ambry Genetics
Classification: Uncertain significance for Inborn genetic diseases. Last evaluated: 2024-12-10. Review status: criteria provided, single submitter. Criteria: Ambry Variant Classification Scheme 2023. Collection method: clinical testing. Allele origin: germline.

NM_001384140.1(PCDH15):c.4672-1676A>C

Gene: PCDH15 (protocadherin related 15; minus strand). Cytogenetic location: 10q21.1.
Variant type: single nucleotide variant.
Coding change: c.4672-1676A>C on transcript NM_001384140.1 (MANE Select); 1676 bases into the intron before coding-DNA position 4672, A replaced by C.
Molecular consequence: intron variant. On other transcripts: missense variant (2), 3 prime UTR variant (1).
Genome position (GRCh38, 1-based): chr10:53,808,806, T>G on the plus strand (A>C on the coding strand, the complement: PCDH15 is on the minus strand). VCF-style: chr10-53808806-T-G. GRCh37 (hg19) VCF-style: chr10-55568566-T-G.
Other names: c.5259A>C, p.Glu1753Asp (NM_001142769.4); c.*674A>C (NM_001142770.3); c.5238A>C, p.Glu1746Asp (NM_001354411.2); c.4477-1676A>C (NM_001354420.2); c.4606-1676A>C (NM_001354429.2); c.4483-1676A>C (NM_001142772.2); c.4498-1676A>C (NM_001142771.2); short protein forms E1753D, E1746D.
Identifiers: ClinVar variation 3414727 (VCV003414727.11).